The following is an entry in ClinVar:

ClinVar aggregate classification (germline): Uncertain significance (1 of 4 stars; one submission).

Conditions:
Microcephaly, normal intelligence and immunodeficiency (NBS). Also called: BERLIN BREAKAGE SYNDROME; Immunodeficiency, microcephaly with normal intelligence; SEEMANOVA SYNDROME II; Nijmegen breakage syndrome; Microcephaly with normal intelligence immunodeficiency and lymphoreticular malignancies; Nonsyndromal microcephaly autosomal recessive with normal intelligence. Identifiers: Orphanet 647, MedGen C0398791, MONDO:0009623, OMIM 251260.

Submission:

Labcorp Genetics (formerly Invitae), Labcorp
Classification: Uncertain significance for Microcephaly, normal intelligence and immunodeficiency. Last evaluated: 2021-09-10. Review status: criteria provided, single submitter. Criteria: Invitae Variant Classification Sherloc (09022015). Collection method: clinical testing. Allele origin: germline.
Comment: This variant results in a copy number gain of the genomic region encompassing the full coding sequence of the NBN gene. The boundaries of this event are unknown as they extend beyond the assayed region for this gene and therefore may encompass additional genes. As the precise location of this event is unknown, it may be in tandem or it may be located elsewhere in the genome. This variant has not been reported in the literature in individuals with NBN-related conditions. In summary, the available evidence is currently insufficient to determine the role of this variant in disease. Therefore, it has been classified as a Variant of Uncertain Significance.

NC_000008.10:g.(?_90944564)_(90997899_?)dup

Gene: NBN (nibrin; minus strand). Cytogenetic location: 8q21.3.
Variant type: Duplication.
Identifiers: ClinVar variation 1007331 (VCV001007331.2).